The following is an entry in ClinVar:

NM_007294.4(BRCA1):c.135-4161C>G

Gene: BRCA1 (BRCA1 DNA repair associated; minus strand). Cytogenetic location: 17q21.31.
Variant type: single nucleotide variant.
Coding change: c.135-4161C>G on transcript NM_007294.4 (MANE Select); 4161 bases into the intron before coding-DNA position 135, C replaced by G.
Molecular consequence: intron variant.
Genome position (GRCh38, 1-based): chr17:43,110,694, G>C on the plus strand (C>G on the coding strand, the complement: BRCA1 is on the minus strand). VCF-style: chr17-43110694-G-C. GRCh37 (hg19) VCF-style: chr17-41262711-G-C.
Other names: IVS 3-4161C>G; c.-7-4161C>G (NM_001408458.1, NM_001407931.1, NM_001407747.1 and 81 more transcripts); c.-219+14583C>G (NM_001407967.1); c.-169-5738C>G (NM_001407959.1, NM_001407963.1); c.-170+5032C>G (NM_001407962.1, NM_001408512.1, NM_001408510.1 and 1 more transcripts); c.-54-4161C>G (NM_001407885.1, NM_001407886.1, NM_001407898.1 and 55 more transcripts); c.-123-114C>G (NM_001407746.1, NM_001408468.1, NM_001407842.1 and 13 more transcripts); c.135-4161C>G (NM_001407686.1, NM_001408397.1, NM_001407632.1 and 167 more transcripts); and 8 more.
Identifiers: ClinVar variation 209511 (VCV000209511.2), dbSNP rs73321427, ClinGen allele CA276480.

ClinVar aggregate classification (germline): Benign (3 of 4 stars; one submission).

Conditions:
Breast-ovarian cancer, familial, susceptibility to, 1 (BROVCA1). Also called: BRCA1 Hereditary Breast and Ovarian Cancer; OVARIAN CANCER, SUSCEPTIBILITY TO. Identifiers: Orphanet 145, MedGen C2676676, MONDO:0011450, OMIM 604370. Disease mechanism: loss of function.

Allele frequency attached by ClinVar (database versions not stated): gnomAD 0.01580 and 0.01490; TOPMed 0.01723; 1000 Genomes Project 0.01797; gnomAD exomes 0.00172; 1000 Genomes Project 30x 0.01936.

Submission:

Evidence-based Network for the Interpretation of Germline Mutant Alleles (ENIGMA)
Classification: Benign for Breast-ovarian cancer, familial 1. Last evaluated: 2015-01-12. Review status: reviewed by expert panel. Criteria: ENIGMA BRCA1/2 Classification Criteria (2015). Collection method: curation. Allele origin: germline.
Comment: Class 1 not pathogenic based on frequency >1% in an outbred sampleset. Frequency 0.05285 (African), derived from 1000 genomes (2012-04-30).